The following is an entry in ClinVar:

NM_004187.5(KDM5C):c.264G>C (p.Gln88His)

Gene: KDM5C (lysine demethylase 5C; minus strand). Cytogenetic location: Xp11.22.
Variant type: single nucleotide variant.
Coding change: c.264G>C on transcript NM_004187.5 (MANE Select); coding-DNA position 264, G replaced by C.
Protein change: p.Gln88His; replaces glutamine 88 with histidine.
Molecular consequence: missense variant. On other transcripts: non-coding transcript variant (2), intron variant (1).
Genome position (GRCh38, 1-based): chrX:53,218,363, C>G on the plus strand (G>C on the coding strand, the complement: KDM5C is on the minus strand). VCF-style: chrX-53218363-C-G. GRCh37 (hg19) VCF-style: chrX-53247545-C-G.
Other names: c.264G>C, p.Gln88His (NM_001282622.3, NM_001353978.3, NM_001353979.2 and 3 more transcripts); c.151-397G>C (NM_001146702.2); short protein forms Q88H.
Identifiers: ClinVar variation 3373129 (VCV003373129.1).

ClinVar aggregate classification (germline): Uncertain significance (1 of 4 stars; one submission).

Submission:

GeneDx
Classification: Uncertain significance. Last evaluated: 2024-04-25. Review status: criteria provided, single submitter. Criteria: GeneDx Variant Classification Process June 2021. Collection method: clinical testing. Allele origin: germline. Affected: yes.
Comment: Not observed at significant frequency in large population cohorts (gnomAD); In silico analysis supports that this missense variant has a deleterious effect on protein structure/function; Has not been previously published as pathogenic or benign to our knowledge